The following is an entry in ClinVar:

ClinVar aggregate classification (germline): Benign/Likely benign. Review status: criteria provided, multiple submitters, no conflicts (2 of 4 stars). 3 submissions from 3 submitters: Benign (1); Likely benign (2). Last evaluated 2024-04-02.

Conditions:
Hereditary cancer-predisposing syndrome. Also called: Hereditary Cancer Syndrome; Tumor predisposition; Neoplastic Syndromes, Hereditary; Hereditary neoplastic syndrome. Identifiers: Orphanet 140162, MedGen C0027672, MeSH D009386, MONDO:0015356.
Familial adenomatous polyposis 1 (FAP1). Also called: FAMILIAL ADENOMATOUS POLYPOSIS 1, ATTENUATED; POLYPOSIS, ADENOMATOUS INTESTINAL. Identifiers: MedGen C2713442, MONDO:0021056, OMIM 175100. Disease mechanism: loss of function.

Allele frequency attached by ClinVar (database versions not stated): gnomAD exomes below 0.00001; TOPMed below 0.00001; ExAC 0.00001; ESP Exome Variant Server 0.00008.
gnomAD v4.1: 2 of 1,612,150 alleles (0.00012%); highest among the groups gnomAD compares: Non-Finnish European, 0.00017%; no homozygotes.

Submissions (3):

Myriad Genetics, Inc.
Classification: Benign for Familial adenomatous polyposis 1. Last evaluated: 2024-04-02. Review status: criteria provided, single submitter. Criteria: Myriad Autosomal Dominant, Autosomal Recessive and X-Linked Classification Criteria (2023). Collection method: clinical testing. Allele origin: unknown.
Comment: This variant is considered benign. This variant is a silent/synonymous amino acid change and it is not expected to impact splicing.

Labcorp Genetics (formerly Invitae), Labcorp
Classification: Likely benign for Familial adenomatous polyposis 1. Last evaluated: 2023-07-17. Review status: criteria provided, single submitter. Criteria: Invitae Variant Classification Sherloc (09022015). Collection method: clinical testing. Allele origin: germline.

Ambry Genetics
Classification: Likely benign for Hereditary cancer-predisposing syndrome. Last evaluated: 2019-08-28. Review status: criteria provided, single submitter. Criteria: Ambry Variant Classification Scheme 2023. Collection method: clinical testing. Allele origin: germline.

NM_000038.6(APC):c.5400T>C (p.Asn1800=)

Gene: APC (APC regulator of Wnt signaling pathway; plus strand). Cytogenetic location: 5q22.2.
Variant type: single nucleotide variant.
Coding change: c.5400T>C on transcript NM_000038.6 (MANE Select); coding-DNA position 5400, T replaced by C.
Protein change: p.Asn1800=; no amino-acid change (asparagine 1800 retained).
Molecular consequence: synonymous variant.
Genome position (GRCh38, 1-based): chr5:112,840,994, T>C. VCF-style: chr5-112840994-T-C. GRCh37 (hg19) VCF-style: chr5-112176691-T-C.
Other names: c.5400T>C, p.Asn1800= (NM_001127510.3, NM_001354895.2); c.5346T>C, p.Asn1782= (NM_001127511.3); c.5454T>C, p.Asn1818= (NM_001354896.2); c.5430T>C, p.Asn1810= (NM_001354897.2); c.5325T>C, p.Asn1775= (NM_001354898.2); c.5316T>C, p.Asn1772= (NM_001354899.2); c.5277T>C, p.Asn1759= (NM_001354900.2); c.5223T>C, p.Asn1741= (NM_001354901.2); and 5 more.
Identifiers: ClinVar variation 701367 (VCV000701367.17), dbSNP rs376290290, ClinGen allele CA041813.